The following is an entry in ClinVar:

NM_017654.4(SAMD9):c.1914G>A (p.Ser638=)

Gene: SAMD9 (sterile alpha motif domain containing 9; minus strand). Cytogenetic location: 7q21.2.
Variant type: single nucleotide variant.
Coding change: c.1914G>A on transcript NM_017654.4 (MANE Select); coding-DNA position 1914, G replaced by A.
Protein change: p.Ser638=; no amino-acid change (serine 638 retained).
Molecular consequence: synonymous variant.
Genome position (GRCh38, 1-based): chr7:93,104,184, C>T on the plus strand (G>A on the coding strand, the complement: SAMD9 is on the minus strand). VCF-style: chr7-93104184-C-T. GRCh37 (hg19) VCF-style: chr7-92733497-C-T.
Other names: c.1914G>A, p.Ser638= (NM_001193307.2).
Identifiers: ClinVar variation 1336909 (VCV001336909.14), dbSNP rs146106698, ClinGen allele CA4342911.
Genomic context (GRCh38, chr7:93,104,184, plus strand): 5'-ATTTTCACAGATAATTTCCAGAGCAGTCATGATATCTTCTTCCTTTTTCAGAAGGACAGT[C>T]GATAAACCAATAGATGGCAAAAGCCTTTTTGAAGATTGAGTCACAGATTTTAGTTTAAGA-3'
Protein context (NP_060124.2, residues 628-648): SKRLLPSIGL[Ser638=]TVLLKKEEDI

ClinVar aggregate classification (germline): Likely benign. Review status: criteria provided, multiple submitters, no conflicts (2 of 4 stars). 5 submissions from 5 submitters: Likely benign (5). Last evaluated 2026-01-20.

Conditions:
Inborn genetic diseases. Identifiers: MedGen C0950123, MeSH D030342.
SAMD9-related disorder. Also called: SAMD9-related condition.

Allele frequency attached by ClinVar (database versions not stated): gnomAD exomes 0.00002 and 0.00004; ExAC 0.00007; TOPMed 0.00013; ESP Exome Variant Server 0.00038.
gnomAD v4.1: 53 of 1,613,688 alleles (0.0033%); highest among the groups gnomAD compares: African/African-American, 0.048%; no homozygotes.

Submissions (5):

Labcorp Genetics (formerly Invitae), Labcorp
Classification: Likely benign. Last evaluated: 2026-01-20. Review status: criteria provided, single submitter. Criteria: Invitae Variant Classification Sherloc (09022015). Collection method: clinical testing. Allele origin: germline.

PreventionGenetics, part of Exact Sciences
Classification: Likely benign for SAMD9-related condition. Last evaluated: 2025-05-14. Review status: criteria provided, single submitter. Criteria: ACMG Guidelines, 2015. Collection method: clinical testing. Allele origin: germline.
Comment: This variant is classified as likely benign based on ACMG/AMP sequence variant interpretation guidelines (Richards et al. 2015 PMID: 25741868, with internal and published modifications).

Ambry Genetics
Classification: Likely benign for Inborn genetic diseases. Last evaluated: 2024-11-28. Review status: criteria provided, single submitter. Criteria: Ambry Variant Classification Scheme 2023. Collection method: clinical testing. Allele origin: germline.

Blueprint Genetics
Classification: Likely benign. Last evaluated: 2024-09-19. Review status: criteria provided, single submitter. Criteria: ACMG Guidelines, 2015. Collection method: clinical testing. Allele origin: germline.

Genetic Services Laboratory, University of Chicago
Classification: Likely benign. Last evaluated: 2018-11-01. Review status: criteria provided, single submitter. Criteria: ACMG Guidelines, 2015. Collection method: clinical testing. Allele origin: germline. Affected: no.